The following is an entry in ClinVar:

NM_203447.4(DOCK8):c.3530+179C>G

Gene: DOCK8 (dedicator of cytokinesis 8; plus strand). Cytogenetic location: 9p24.3.
Variant type: single nucleotide variant.
Coding change: c.3530+179C>G on transcript NM_203447.4 (MANE Select); 179 bases into the intron after coding-DNA position 3530, C replaced by G.
Molecular consequence: intron variant.
Genome position (GRCh38, 1-based): chr9:407,248, C>G. VCF-style: chr9-407248-C-G. GRCh37 (hg19) VCF-style: chr9-407248-C-G.
Other names: c.3326+179C>G (NM_001193536.2); c.3230+179C>G (NM_001190458.2).
Identifiers: ClinVar variation 676853 (VCV000676853.2), dbSNP rs73639211, ClinGen allele CA187767656.

ClinVar aggregate classification (germline): Benign. Review status: criteria provided, multiple submitters, no conflicts (2 of 4 stars). 2 submissions from 2 submitters: Benign (2). Last evaluated 2018-06-16.

Allele frequency attached by ClinVar (database versions not stated): 1000 Genomes Project 0.13698; 1000 Genomes Project 30x 0.13960; TOPMed 0.16056.
gnomAD v4.1: 24,233 of 152,066 alleles (16%); highest among the groups gnomAD compares: African/African-American, 20%; 2,044 homozygotes.

Submissions (2):

GeneDx
Classification: Benign. Last evaluated: 2018-06-16. Review status: criteria provided, single submitter. Criteria: GeneDx Variant Classification (06012015). Collection method: clinical testing. Allele origin: germline. Affected: yes.
Comment: This variant is considered likely benign or benign based on one or more of the following criteria: it is a conservative change, it occurs at a poorly conserved position in the protein, it is predicted to be benign by multiple in silico algorithms, and/or has population frequency not consistent with disease.

Breakthrough Genomics
Classification: Benign. Review status: criteria provided, single submitter. Criteria: ACMG Guidelines, 2015. Collection method: not provided. Allele origin: germline. Inheritance: Autosomal recessive inheritance. Affected: yes.